The following is an entry in ClinVar:

ClinVar aggregate classification (germline): Uncertain significance (1 of 4 stars; one submission).

Conditions:
Charcot-Marie-Tooth disease axonal type 2Z. Also called: CHARCOT-MARIE-TOOTH DISEASE, AXONAL, AUTOSOMAL DOMINANT, TYPE 2Z; CHARCOT-MARIE-TOOTH NEUROPATHY, TYPE 2Z. Identifiers: Orphanet 466768, MedGen C5569025, MONDO:0014736, OMIM 616688.

Submission:

Labcorp Genetics (formerly Invitae), Labcorp
Classification: Uncertain significance for Charcot-Marie-Tooth disease axonal type 2Z. Last evaluated: 2025-10-13. Review status: criteria provided, single submitter. Criteria: Invitae Variant Classification Sherloc (09022015). Collection method: clinical testing. Allele origin: germline.
Comment: This sequence change replaces isoleucine, which is neutral and non-polar, with valine, which is neutral and non-polar, at codon 384 of the MORC2 protein (p.Ile384Val). This variant is not present in population databases (gnomAD no frequency). This variant has not been reported in the literature in individuals affected with MORC2-related conditions. Invitae Evidence Modeling of protein sequence and biophysical properties (such as structural, functional, and spatial information, amino acid conservation, physicochemical variation, residue mobility, and thermodynamic stability) indicates that this missense variant is not expected to disrupt MORC2 protein function with a negative predictive value of 95%. In summary, the available evidence is currently insufficient to determine the role of this variant in disease. Therefore, it has been classified as a Variant of Uncertain Significance.

NM_001303256.3(MORC2):c.1150A>G (p.Ile384Val)

Gene: MORC2 (MORC family CW-type zinc finger 2; minus strand). Cytogenetic location: 22q12.2.
Variant type: single nucleotide variant.
Coding change: c.1150A>G on transcript NM_001303256.3 (MANE Select); coding-DNA position 1150, A replaced by G.
Protein change: p.Ile384Val; replaces isoleucine 384 with valine.
Molecular consequence: missense variant.
Genome position (GRCh38, 1-based): chr22:30,938,129, T>C on the plus strand (A>G on the coding strand, the complement: MORC2 is on the minus strand). VCF-style: chr22-30938129-T-C. GRCh37 (hg19) VCF-style: chr22-31334116-T-C.
Other names: c.1150A>G, p.Ile384Val (NM_001303257.2); c.964A>G, p.Ile322Val (NM_014941.3); short protein forms I322V, I384V.
Identifiers: ClinVar variation 4695559 (VCV004695559.1).